The following is an entry in ClinVar:

NM_000188.3(HK1):c.518A>G (p.Lys173Arg)

Gene: HK1 (hexokinase 1; plus strand). Cytogenetic location: 10q22.1.
Variant type: single nucleotide variant.
Coding change: c.518A>G on transcript NM_000188.3 (MANE Select); coding-DNA position 518, A replaced by G.
Protein change: p.Lys173Arg; replaces lysine 173 with arginine.
Molecular consequence: missense variant. On other transcripts: intron variant (1).
Genome position (GRCh38, 1-based): chr10:69,368,558, A>G. VCF-style: chr10-69368558-A-G. GRCh37 (hg19) VCF-style: chr10-71128314-A-G.
Other names: c.530A>G, p.Lys177Arg (NM_001322364.2, NM_001358263.1, NM_033497.3 and 1 more transcripts); c.623A>G, p.Lys208Arg (NM_001322365.2); c.434A>G, p.Lys145Arg (NM_001322366.1); c.515A>G, p.Lys172Arg (NM_033496.3); c.482A>G, p.Lys161Arg (NM_033500.2); c.496-679A>G (NM_001322367.1); short protein forms K208R, K145R, K161R, K172R, K173R, K177R.
Identifiers: ClinVar variation 2729909 (VCV002729909.3), dbSNP rs1564546747, ClinGen allele CA376913500.

ClinVar aggregate classification (germline): Uncertain significance (1 of 4 stars; one submission).

Allele frequency attached by ClinVar (database versions not stated): gnomAD exomes below 0.00001.
gnomAD v4.1: 3 of 1,614,210 alleles (0.00019%); highest among the groups gnomAD compares: South Asian, 0.0011%; no homozygotes.

Submission:

Labcorp Genetics (formerly Invitae), Labcorp
Classification: Uncertain significance. Last evaluated: 2023-07-07. Review status: criteria provided, single submitter. Criteria: Invitae Variant Classification Sherloc (09022015). Collection method: clinical testing. Allele origin: germline.
Comment: This sequence change replaces lysine, which is basic and polar, with arginine, which is basic and polar, at codon 173 of the HK1 protein (p.Lys173Arg). This variant is not present in population databases (gnomAD no frequency). This variant has not been reported in the literature in individuals affected with HK1-related conditions. Advanced modeling of protein sequence and biophysical properties (such as structural, functional, and spatial information, amino acid conservation, physicochemical variation, residue mobility, and thermodynamic stability) has been performed at Invitae for this missense variant, however the output from this modeling did not meet the statistical confidence thresholds required to predict the impact of this variant on HK1 protein function. In summary, the available evidence is currently insufficient to determine the role of this variant in disease. Therefore, it has been classified as a Variant of Uncertain Significance.